The following is an entry in ClinVar:

ClinVar aggregate classification (germline): Uncertain significance (1 of 4 stars; one submission).

Allele frequency attached by ClinVar (database versions not stated): gnomAD 0.00001; TOPMed 0.00001.
gnomAD v4.1: 19 of 1,613,790 alleles (0.0012%); highest among the groups gnomAD compares: Non-Finnish European, 0.0016%; no homozygotes.

Submission:

Labcorp Genetics (formerly Invitae), Labcorp
Classification: Uncertain significance. Last evaluated: 2022-03-04. Review status: criteria provided, single submitter. Criteria: Invitae Variant Classification Sherloc (09022015). Collection method: clinical testing. Allele origin: germline.
Comment: This sequence change replaces asparagine, which is neutral and polar, with serine, which is neutral and polar, at codon 71 of the NUP160 protein (p.Asn71Ser). This variant is not present in population databases (gnomAD no frequency). This variant has not been reported in the literature in individuals affected with NUP160-related conditions. Algorithms developed to predict the effect of missense changes on protein structure and function output the following: SIFT: "Not Available"; PolyPhen-2: "Benign"; Align-GVGD: "Not Available". The serine amino acid residue is found in multiple mammalian species, which suggests that this missense change does not adversely affect protein function. In summary, the available evidence is currently insufficient to determine the role of this variant in disease. Therefore, it has been classified as a Variant of Uncertain Significance.

NM_015231.3(NUP160):c.110A>G (p.Asn37Ser)

Gene: NUP160 (nucleoporin 160; minus strand). Cytogenetic location: 11p11.2.
Variant type: single nucleotide variant.
Coding change: c.110A>G on transcript NM_015231.3 (MANE Select); coding-DNA position 110, A replaced by G.
Protein change: p.Asn37Ser; replaces asparagine 37 with serine.
Molecular consequence: missense variant. On other transcripts: non-coding transcript variant (1).
Genome position (GRCh38, 1-based): chr11:47,847,950, T>C on the plus strand (A>G on the coding strand, the complement: NUP160 is on the minus strand). VCF-style: chr11-47847950-T-C. GRCh37 (hg19) VCF-style: chr11-47869502-T-C.
Other names: c.212A>G, p.Asn71Ser (NM_001318399.1); short protein forms N37S, N71S.
Identifiers: ClinVar variation 1928306 (VCV001928306.5), dbSNP rs1294258344, ClinGen allele CA380396091.